The following is an entry in ClinVar:

ClinVar aggregate classification (germline): Conflicting classifications of pathogenicity. Review status: criteria provided, conflicting classifications (1 of 4 stars). 2 submissions from 2 submitters: Uncertain significance (1); Likely benign (1). Last evaluated 2025-07-14.

Conditions:
Familial hypercholesterolemia. Also called: Familial hypercholesterolaemia. Identifiers: MedGen C0020445, MONDO:0005439.
Cardiovascular phenotype. Identifiers: MedGen CN230736.

gnomAD v4.1: 2 of 1,610,614 alleles (0.00012%); highest among the groups gnomAD compares: South Asian, 0.0011%; no homozygotes.

Submissions (2):

Color Diagnostics, LLC DBA Color Health
Classification: Uncertain significance for Familial hypercholesterolemia. Last evaluated: 2025-07-14. Review status: criteria provided, single submitter. Criteria: ACMG Guidelines, 2015. Collection method: clinical testing. Allele origin: germline.
Comment: This missense variant replaces lysine with arginine at codon 494 of the PCSK9 protein. Computational prediction suggests that this variant may not impact protein structure and function. To our knowledge, functional studies have not been reported for this variant. This variant has not been reported in individuals affected with PCSK9-related disorders in the literature. This variant has been identified in 1/249500 chromosomes in the general population by the Genome Aggregation Database (gnomAD). The available evidence is insufficient to determine the role of this variant in disease conclusively. Therefore, this variant is classified as a Variant of Uncertain Significance.

Ambry Genetics
Classification: Likely benign for Cardiovascular phenotype. Last evaluated: 2024-09-17. Review status: criteria provided, single submitter. Criteria: Ambry Variant Classification Scheme 2023. Collection method: clinical testing. Allele origin: germline.

NM_174936.4(PCSK9):c.1481A>G (p.Lys494Arg)

Gene: PCSK9 (proprotein convertase subtilisin/kexin type 9; plus strand). Cytogenetic location: 1p32.3.
Variant type: single nucleotide variant.
Coding change: c.1481A>G on transcript NM_174936.4 (MANE Select); coding-DNA position 1481, A replaced by G.
Protein change: p.Lys494Arg; replaces lysine 494 with arginine.
Molecular consequence: missense variant. On other transcripts: non-coding transcript variant (8), intron variant (1).
Genome position (GRCh38, 1-based): chr1:55,058,625, A>G. VCF-style: chr1-55058625-A-G. GRCh37 (hg19) VCF-style: chr1-55524298-A-G.
Other names: c.1604A>G, p.Lys535Arg (NM_001407240.1); c.1481A>G, p.Lys494Arg (NM_001407241.1); c.1484A>G, p.Lys495Arg (NM_001407242.1); c.1424A>G, p.Lys475Arg (NM_001407243.1); c.1307A>G, p.Lys436Arg (NM_001407244.1); c.1289A>G, p.Lys430Arg (NM_001407245.1); c.1106A>G, p.Lys369Arg (NM_001407246.1); c.1180+1111A>G (NM_001407247.1); short protein forms K436R, K475R, K494R, K535R, K369R, K430R, K495R.
Identifiers: ClinVar variation 3415990 (VCV003415990.2).